The following is an entry in ClinVar:

NM_016284.5(CNOT1):c.4303T>A (p.Ser1435Thr)

Gene: CNOT1 (CCR4-NOT transcription complex subunit 1; minus strand). Cytogenetic location: 16q21.
Variant type: single nucleotide variant.
Coding change: c.4303T>A on transcript NM_016284.5 (MANE Select); coding-DNA position 4303, T replaced by A.
Protein change: p.Ser1435Thr; replaces serine 1435 with threonine.
Molecular consequence: missense variant. On other transcripts: non-coding transcript variant (1).
Genome position (GRCh38, 1-based): chr16:58,543,738, A>T on the plus strand (T>A on the coding strand, the complement: CNOT1 is on the minus strand). VCF-style: chr16-58543738-A-T. GRCh37 (hg19) VCF-style: chr16-58577642-A-T.
Other names: c.4288T>A, p.Ser1430Thr (NM_001265612.2); c.4303T>A, p.Ser1435Thr (NM_206999.3); short protein forms S1430T, S1435T.
Identifiers: ClinVar variation 5020488 (VCV005020488.1).

ClinVar aggregate classification (germline): Uncertain significance (1 of 4 stars; one submission).

Submission:

Dasa
Classification: Uncertain significance. Last evaluated: 2026-05-25. Review status: criteria provided, single submitter. Criteria: DASA Assertion Criteria. Collection method: clinical testing. Allele origin: germline.
Comment: NM_016284.5(CNOT1):c.4303T>A (p.Ser1435Thr) is a missense variant that results in the substitution of serine with threonine. This variant is rare in population databases. The currently available literature and clinical evidence are not sufficient to establish a definitive association between this variant and the reported condition. Therefore, this variant is classified as a variant of uncertain significance.